The following is an entry in ClinVar:

ClinVar aggregate classification (germline): Uncertain significance. Review status: criteria provided, multiple submitters, no conflicts (2 of 4 stars). 2 submissions from 2 submitters: Uncertain significance (2). Last evaluated 2024-11-26.

Conditions:
Hereditary breast ovarian cancer syndrome. Also called: Hereditary breast and/or ovarian cancer syndrome; Hereditary breast and ovarian cancer syndrome (HBOC); Breast and ovarian cancer; Hereditary breast and ovarian cancer syndrome; Hereditary breast and ovarian cancer; BRCA1- and BRCA2-Associated Hereditary Breast and Ovarian Cancer. Identifiers: Orphanet 145, MedGen C0677776, MeSH D061325, MONDO:0003582. Disease mechanism: loss of function.
Hereditary cancer-predisposing syndrome. Also called: Hereditary neoplastic syndrome; Neoplastic Syndromes, Hereditary; Hereditary Cancer Syndrome; Tumor predisposition. Identifiers: Orphanet 140162, MedGen C0027672, MeSH D009386, MONDO:0015356.

Submissions (2):

Ambry Genetics
Classification: Uncertain significance for Hereditary cancer-predisposing syndrome. Last evaluated: 2024-11-26. Review status: criteria provided, single submitter. Criteria: Ambry Variant Classification Scheme 2023. Collection method: clinical testing. Allele origin: germline.
Comment: The p.M192I variant (also known as c.576G>A), located in coding exon 6 of the BRCA2 gene, results from a G to A substitution at nucleotide position 576. The methionine at codon 192 is replaced by isoleucine, an amino acid with highly similar properties. This amino acid position is highly conserved in available vertebrate species. In addition, this alteration is predicted to be tolerated by in silico analysis. Based on the available evidence, the clinical significance of this variant remains unclear.

Labcorp Genetics (formerly Invitae), Labcorp
Classification: Uncertain significance for Hereditary breast ovarian cancer syndrome. Last evaluated: 2023-12-27. Review status: criteria provided, single submitter. Criteria: Invitae Variant Classification Sherloc (09022015). Collection method: clinical testing. Allele origin: germline.
Comment: This sequence change replaces methionine, which is neutral and non-polar, with isoleucine, which is neutral and non-polar, at codon 192 of the BRCA2 protein (p.Met192Ile). This variant is not present in population databases (gnomAD no frequency). This variant has not been reported in the literature in individuals affected with BRCA2-related conditions. Advanced modeling of protein sequence and biophysical properties (such as structural, functional, and spatial information, amino acid conservation, physicochemical variation, residue mobility, and thermodynamic stability) performed at Invitae indicates that this missense variant is not expected to disrupt BRCA2 protein function with a negative predictive value of 95%. In summary, the available evidence is currently insufficient to determine the role of this variant in disease. Therefore, it has been classified as a Variant of Uncertain Significance.

NM_000059.4(BRCA2):c.576G>A (p.Met192Ile)

Gene: BRCA2 (BRCA2 DNA repair associated; plus strand). Cytogenetic location: 13q13.1.
Variant type: single nucleotide variant.
Coding change: c.576G>A on transcript NM_000059.4 (MANE Select); coding-DNA position 576, G replaced by A.
Protein change: p.Met192Ile; replaces methionine 192 with isoleucine.
Molecular consequence: missense variant. On other transcripts: non-coding transcript variant (1).
Genome position (GRCh38, 1-based): chr13:32,326,558, G>A. VCF-style: chr13-32326558-G-A. GRCh37 (hg19) VCF-style: chr13-32900695-G-A.
Other names: c.576G>A, p.Met192Ile (NM_001406719.1, NM_001406720.1, NM_001406721.1); c.207G>A, p.Met69Ile (NM_001406722.1); short protein forms M192I, M69I.
Identifiers: ClinVar variation 2705980 (VCV002705980.4), dbSNP rs983380958, ClinGen allele CA387758011.